The following is an entry in ClinVar:

ClinVar aggregate classification (germline): Likely pathogenic (1 of 4 stars; one submission).

Submission:

CeGaT Center for Human Genetics Tuebingen
Classification: Likely pathogenic. Last evaluated: 2022-12-01. Review status: criteria provided, single submitter. Criteria: CeGaT Center For Human Genetics Tuebingen Variant Classification Criteria Version 2. Collection method: clinical testing. Allele origin: germline. Affected: yes. Observed: 1 variant allele.
Comment: DDX3X: PVS1:Strong, PM2

NM_001356.5(DDX3X):c.45+2T>A

Gene: DDX3X (DEAD-box helicase 3 X-linked; plus strand). Cytogenetic location: Xp11.4.
Variant type: single nucleotide variant.
Coding change: c.45+2T>A on transcript NM_001356.5 (MANE Select); the canonical splice donor site of the intron after coding-DNA position 45, T replaced by A.
Molecular consequence: splice donor variant.
Genome position (GRCh38, 1-based): chrX:41,334,299, T>A. VCF-style: chrX-41334299-T-A. GRCh37 (hg19) VCF-style: chrX-41193552-T-A.
Other names: c.45+2T>A (NM_001193416.3, NM_001193417.3); c.-1859+2T>A (NM_001363819.1).
Identifiers: ClinVar variation 1879759 (VCV001879759.29), dbSNP rs2519481241, ClinGen allele CA412761621.